The following is an entry in ClinVar:

NM_000138.5(FBN1):c.6757G>A (p.Glu2253Lys)

Gene: FBN1 (fibrillin 1; minus strand). Cytogenetic location: 15q21.1.
Variant type: single nucleotide variant.
Coding change: c.6757G>A on transcript NM_000138.5 (MANE Select); coding-DNA position 6757, G replaced by A.
Protein change: p.Glu2253Lys; replaces glutamic acid 2253 with lysine.
Molecular consequence: missense variant.
Genome position (GRCh38, 1-based): chr15:48,430,785, C>T on the plus strand (G>A on the coding strand, the complement: FBN1 is on the minus strand). VCF-style: chr15-48430785-C-T. GRCh37 (hg19) VCF-style: chr15-48722982-C-T.
Other names: short protein forms E2253K.
Identifiers: ClinVar variation 1522145 (VCV001522145.11), dbSNP rs1245476075, ClinGen allele CA392332829.

ClinVar aggregate classification (germline): Uncertain significance. Review status: criteria provided, multiple submitters, no conflicts (2 of 4 stars). 3 submissions from 3 submitters: Uncertain significance (3). Last evaluated 2024-04-25.

Conditions:
Familial thoracic aortic aneurysm and aortic dissection (TAAD). Also called: Thoracic aortic aneurysms and dissections. Identifiers: Orphanet 91387, MedGen C4707243, MONDO:0019625.
Marfan syndrome (MFS). Also called: MARFAN SYNDROME, TYPE I; Marfan syndrome type 1; Marfan's syndrome; Marfan syndrome, classic; FBN1-Related Marfan Syndrome. Identifiers: Orphanet 284963, Orphanet 558, MedGen C0024796, MONDO:0007947, OMIM 154700.

Allele frequency attached by ClinVar (database versions not stated): TOPMed below 0.00001; gnomAD exomes below 0.00001.
gnomAD v4.1: 2 of 1,612,822 alleles (0.00012%); highest among the groups gnomAD compares: African/African-American, 0.0013%; no homozygotes.

Submissions (3):

All of Us Research Program, National Institutes of Health
Classification: Uncertain significance for Marfan syndrome. Last evaluated: 2024-04-25. Review status: criteria provided, single submitter. Criteria: ACMG Guidelines, 2015. Collection method: clinical testing. Allele origin: germline. Inheritance: Autosomal dominant inheritance. Observed: 2 variant alleles, 2 heterozygotes.
Comment: This missense variant replaces glutamic acid with lysine at codon 2253 of the FBN1 protein. Computational prediction suggests that this variant may not impact protein structure and function (internally defined REVEL score threshold <= 0.5, PMID: 27666373). To our knowledge, functional studies have not been reported for this variant. This variant has not been reported in individuals affected with FBN1-related disorders in the literature. This variant has been identified in 1/250920 chromosomes in the general population by the Genome Aggregation Database (gnomAD). The available evidence is insufficient to determine the role of this variant in disease conclusively. Therefore, this variant is classified as a Variant of Uncertain Significance.

This study involves interpretation of variants in research participants for the purpose of population health screening. Participant phenotype was not available at the time of variant classification. Additional details can be found in publication PMID: 35346344, PMCID: PMC8962531

Color Diagnostics, LLC DBA Color Health
Classification: Uncertain significance for Familial thoracic aortic aneurysm and aortic dissection. Last evaluated: 2024-04-17. Review status: criteria provided, single submitter. Criteria: ACMG Guidelines, 2015. Collection method: clinical testing. Allele origin: germline.
Comment: This missense variant replaces glutamic acid with lysine at codon 2253 of the FBN1 protein. Computational prediction suggests that this variant may not impact protein structure and function. To our knowledge, functional studies have not been reported for this variant. This variant has not been reported in individuals affected with FBN1-related disorders in the literature. This variant has been identified in 1/250920 chromosomes in the general population by the Genome Aggregation Database (gnomAD). The available evidence is insufficient to determine the role of this variant in disease conclusively. Therefore, this variant is classified as a Variant of Uncertain Significance.

Labcorp Genetics (formerly Invitae), Labcorp
Classification: Uncertain significance for Marfan syndrome; Familial thoracic aortic aneurysm and aortic dissection. Last evaluated: 2021-02-27. Review status: criteria provided, single submitter. Criteria: Invitae Variant Classification Sherloc (09022015). Collection method: clinical testing. Allele origin: germline.
Comment: This sequence change replaces glutamic acid with lysine at codon 2253 of the FBN1 protein (p.Glu2253Lys). The glutamic acid residue is moderately conserved and there is a small physicochemical difference between glutamic acid and lysine. This variant is not present in population databases (ExAC no frequency). This variant has not been reported in the literature in individuals with FBN1-related conditions. Advanced modeling of protein sequence and biophysical properties (such as structural, functional, and spatial information, amino acid conservation, physicochemical variation, residue mobility, and thermodynamic stability) performed at Invitae indicates that this missense variant is not expected to disrupt FBN1 protein function. In summary, the available evidence is currently insufficient to determine the role of this variant in disease. Therefore, it has been classified as a Variant of Uncertain Significance.